The following is an entry in ClinVar:

ClinVar aggregate classification (germline): Pathogenic (1 of 4 stars; one submission).

Submission:

Labcorp Genetics (formerly Invitae), Labcorp
Classification: Pathogenic. Last evaluated: 2024-01-24. Review status: criteria provided, single submitter. Criteria: Invitae Variant Classification Sherloc (09022015). Collection method: clinical testing. Allele origin: germline.
Comment: This sequence change creates a premature translational stop signal (p.Tyr201*) in the RAB28 gene. It is expected to result in an absent or disrupted protein product. Loss-of-function variants in RAB28 are known to be pathogenic (PMID: 23746546, 25356532, 27529348). This variant is not present in population databases (gnomAD no frequency). This variant has not been reported in the literature in individuals affected with RAB28-related conditions. ClinVar contains an entry for this variant (Variation ID: 2093933). Algorithms developed to predict the effect of sequence changes on RNA splicing suggest that this variant may disrupt the consensus splice site. For these reasons, this variant has been classified as Pathogenic.

Literature cited by the submitters: PubMed 23746546; PubMed 25356532; PubMed 27529348.

NM_004249.4(RAB28):c.603_615del (p.Lys200_Tyr201insTer)

Gene: RAB28 (RAB28, member RAS oncogene family; minus strand). Cytogenetic location: 4p15.33.
Variant type: Deletion.
Coding change: c.603_615del on transcript NM_004249.4 (MANE Plus Clinical); coding-DNA positions 603 to 615, 13 bases deleted (CCCGGAAGAAGAA).
Protein change: p.Lys200_Tyr201insTer.
Molecular consequence: nonsense. On other transcripts: intron variant (2).
Genome position (GRCh38, 1-based): chr4:13,369,924-13,369,936, TTCTTCTTCCGGG deleted on the plus strand (CCCGGAAGAAGAA on the coding strand, the reverse complement: RAB28 is on the minus strand); deleting any 13 consecutive bases within chr4:13,369,924-13,369,937 gives the same sequence; the c. name uses the placement nearest the transcript's 3' end. VCF-style (leftmost placement, unchanged base first): chr4-13369923-TTTCTTCTTCCGGG-T. GRCh37 (hg19) VCF-style: chr4-13371547-TTTCTTCTTCCGGG-T.
Other names: c.574-1286_574-1274del (NM_001017979.3); c.*32-1286_*32-1274del (NM_001159601.2).
Identifiers: ClinVar variation 2093933 (VCV002093933.4), dbSNP rs2474572635, ClinGen allele CA2580070842.